The following is an entry in ClinVar:

NM_183050.4(BCKDHB):c.951+287A>G

Gene: BCKDHB (branched chain keto acid dehydrogenase E1 subunit beta; plus strand). Cytogenetic location: 6q14.1.
Variant type: single nucleotide variant.
Coding change: c.951+287A>G on transcript NM_183050.4 (MANE Select); 287 bases into the intron after coding-DNA position 951, A replaced by G.
Molecular consequence: intron variant.
Genome position (GRCh38, 1-based): chr6:80,203,499, A>G. VCF-style: chr6-80203499-A-G. GRCh37 (hg19) VCF-style: chr6-80913216-A-G.
Other names: c.741+287A>G (NM_001318975.1); c.951+287A>G (NM_000056.5).
Identifiers: ClinVar variation 683390 (VCV000683390.1), dbSNP rs9343973, ClinGen allele CA12372693.
Genomic context (GRCh38, chr6:80,203,499, plus strand): 5'-TATTACAAAATGGGGTCCTTTATGCAGTCACCTTGGGTTGAATTGTGTGAGTCATAGAGC[A>G]TATCAAGGATGCCGAAGGCACCTGTGTTTTTGACTTCTTATTAGTTATGGTTCAGTAAGC-3'

ClinVar aggregate classification (germline): Benign (1 of 4 stars; one submission).

Allele frequency attached by ClinVar (database versions not stated): gnomAD 0.35366 and 0.36171; TOPMed 0.36258; 1000 Genomes Project 30x 0.37820; 1000 Genomes Project 0.38618.
gnomAD v4.1: 55,159 of 151,972 alleles (36%); highest among the groups gnomAD compares: East Asian, 56%; 11,948 homozygotes.

Submission:

GeneDx
Classification: Benign. Last evaluated: 2018-06-19. Review status: criteria provided, single submitter. Criteria: GeneDx Variant Classification (06012015). Collection method: clinical testing. Allele origin: germline. Affected: yes.
Comment: This variant is considered likely benign or benign based on one or more of the following criteria: it is a conservative change, it occurs at a poorly conserved position in the protein, it is predicted to be benign by multiple in silico algorithms, and/or has population frequency not consistent with disease.